The following is an entry in ClinVar:

NM_003982.4(SLC7A7):c.1288T>G (p.Phe430Val)

Gene: SLC7A7 (solute carrier family 7 member 7; minus strand). Cytogenetic location: 14q11.2.
Variant type: single nucleotide variant.
Coding change: c.1288T>G on transcript NM_003982.4 (MANE Select); coding-DNA position 1288, T replaced by G.
Protein change: p.Phe430Val; replaces phenylalanine 430 with valine.
Molecular consequence: missense variant.
Genome position (GRCh38, 1-based): chr14:22,774,074, A>C on the plus strand (T>G on the coding strand, the complement: SLC7A7 is on the minus strand). VCF-style: chr14-22774074-A-C. GRCh37 (hg19) VCF-style: chr14-23243283-A-C.
Other names: c.1288T>G, p.Phe430Val (NM_001126105.3, NM_001126106.4); short protein forms F430V.
Identifiers: ClinVar variation 1717394 (VCV001717394.3), dbSNP rs1280509567, ClinGen allele CA388921349.

ClinVar aggregate classification (germline): Uncertain significance (1 of 4 stars; one submission).

Conditions:
Lysinuric protein intolerance (LPI). Identifiers: Orphanet 470, MedGen C0268647, MONDO:0009109, OMIM 222700.

Submission:

Labcorp Genetics (formerly Invitae), Labcorp
Classification: Uncertain significance for Lysinuric protein intolerance. Last evaluated: 2022-08-21. Review status: criteria provided, single submitter. Criteria: Invitae Variant Classification Sherloc (09022015). Collection method: clinical testing. Allele origin: germline.
Comment: This variant is not present in population databases (gnomAD no frequency). In summary, the available evidence is currently insufficient to determine the role of this variant in disease. Therefore, it has been classified as a Variant of Uncertain Significance. Algorithms developed to predict the effect of missense changes on protein structure and function are either unavailable or do not agree on the potential impact of this missense change (SIFT: "Deleterious"; PolyPhen-2: "Possibly Damaging"; Align-GVGD: "Class C15"). This variant has not been reported in the literature in individuals affected with SLC7A7-related conditions. This sequence change replaces phenylalanine, which is neutral and non-polar, with valine, which is neutral and non-polar, at codon 430 of the SLC7A7 protein (p.Phe430Val).